The following is an entry in ClinVar:

ClinVar aggregate classification (germline): Uncertain significance (1 of 4 stars; one submission).

gnomAD v4.1: 1 of 1,614,190 alleles (0.000062%); highest among the groups gnomAD compares: Non-Finnish European, 0.000085%; no homozygotes.

Submission:

CeGaT Center for Human Genetics Tuebingen
Classification: Uncertain significance. Last evaluated: 2026-01-01. Review status: criteria provided, single submitter. Criteria: CeGaT Center For Human Genetics Tuebingen Variant Classification Criteria Version 2. Collection method: clinical testing. Allele origin: germline. Affected: yes. Observed: 1 variant allele.
Comment: TK2: PM2

NM_004614.5(TK2):c.315G>C (p.Trp105Cys)

Gene: TK2 (thymidine kinase 2; minus strand). Cytogenetic location: 16q21.
Variant type: single nucleotide variant.
Coding change: c.315G>C on transcript NM_004614.5 (MANE Select); coding-DNA position 315, G replaced by C.
Protein change: p.Trp105Cys; replaces tryptophan 105 with cysteine.
Molecular consequence: missense variant. On other transcripts: non-coding transcript variant (1).
Genome position (GRCh38, 1-based): chr16:66,531,440, C>G on the plus strand (G>C on the coding strand, the complement: TK2 is on the minus strand). VCF-style: chr16-66531440-C-G. GRCh37 (hg19) VCF-style: chr16-66565343-C-G.
Other names: c.222G>C, p.Trp74Cys (NM_001172643.1, NM_001271935.1); c.240G>C, p.Trp80Cys (NM_001172644.2); c.261G>C, p.Trp87Cys (NM_001172645.2); c.168G>C, p.Trp56Cys (NM_001271934.2); c.24G>C, p.Trp8Cys (NM_001272050.2); short protein forms W105C, W56C, W74C, W80C, W87C, W8C.
Identifiers: ClinVar variation 4823286 (VCV004823286.4).